The following is an entry in ClinVar:

NM_152419.3(HGSNAT):c.391G>T (p.Glu131Ter)

Gene: HGSNAT (heparan-alpha-glucosaminide N-acetyltransferase; plus strand). Cytogenetic location: 8p11.21.
Variant type: single nucleotide variant.
Coding change: c.391G>T on transcript NM_152419.3 (MANE Select); coding-DNA position 391, G replaced by T.
Protein change: p.Glu131Ter; replaces glutamic acid 131 with a stop codon.
Molecular consequence: nonsense. On other transcripts: 5 prime UTR variant (1).
Genome position (GRCh38, 1-based): chr8:43,158,942, G>T. VCF-style: chr8-43158942-G-T. GRCh37 (hg19) VCF-style: chr8-43014085-G-T.
Other names: c.391G>T, p.Glu131Ter (NM_001363227.2, NM_001363228.2); c.-443G>T (NM_001363229.2); short protein forms E131*.
Identifiers: ClinVar variation 983603 (VCV000983603.6), dbSNP rs1803181154, ClinGen allele CA371125365.

ClinVar aggregate classification (germline): Pathogenic/Likely pathogenic. Review status: criteria provided, multiple submitters, no conflicts (2 of 4 stars). 2 submissions from 2 submitters: Pathogenic (1); Likely pathogenic (1). Last evaluated 2023-09-05.

Conditions:
Mucopolysaccharidosis, MPS-III-C (MPS3C). Also called: MPS IIIC (Sanfilippo Syndrome Type C); MUCOPOLYSACCHARIDOSIS, TYPE IIIC; Mucopolysaccharidosis type IIIC (Sanfilippo C); mucopolysaccharidosis type 3C; SANFILIPPO SYNDROME C; MPS III C. Identifiers: Orphanet 581, Orphanet 79271, MedGen C0086649, MONDO:0009657, OMIM 252930.
Retinitis pigmentosa 73 (RP73). Identifiers: Orphanet 791, MedGen C4225287, MONDO:0014687, OMIM 616544.

Submissions (2):

Labcorp Genetics (formerly Invitae), Labcorp
Classification: Pathogenic for Retinitis pigmentosa 73; Mucopolysaccharidosis, MPS-III-C. Last evaluated: 2023-09-05. Review status: criteria provided, single submitter. Criteria: Invitae Variant Classification Sherloc (09022015). Collection method: clinical testing. Allele origin: germline.
Comment: This sequence change creates a premature translational stop signal (p.Glu131*) in the HGSNAT gene. It is expected to result in an absent or disrupted protein product. Loss-of-function variants in HGSNAT are known to be pathogenic (PMID: 17033958, 19479962). This variant has not been reported in the literature in individuals affected with HGSNAT-related conditions. ClinVar contains an entry for this variant (Variation ID: 983603). This variant is not present in population databases (gnomAD no frequency). For these reasons, this variant has been classified as Pathogenic.

Myriad Genetics, Inc.
Classification: Likely pathogenic for Mucopolysaccharidosis, MPS-III-C. Last evaluated: 2019-06-16. Review status: criteria provided, single submitter. Criteria: Myriad Women's Health Autosomal Recessive and X-Linked Classification Criteria (2019). Collection method: clinical testing. Allele origin: unknown.
Comment: NM_152419.2(HGSNAT):c.391G>T(E131*) is expected to be pathogenic in the context of mucopolysaccharidosis type IIIC. This variant is predicted to lead to an abnormal or absent protein product due to the creation of a premature termination codon in HGSNAT, a gene where loss-of-function variants are known to be pathogenic. Please note: this variant was assessed in the context of healthy population screening.

Literature cited by the submitters: PubMed 17033958 (cited by Labcorp Genetics (formerly Invitae), Labcorp); PubMed 19479962 (cited by Labcorp Genetics (formerly Invitae), Labcorp).